The following is an entry in ClinVar:

NM_144999.4(LRRC45):c.1282G>A (p.Asp428Asn)

Gene: LRRC45 (leucine rich repeat containing 45; plus strand). Cytogenetic location: 17q25.3.
Variant type: single nucleotide variant.
Coding change: c.1282G>A on transcript NM_144999.4 (MANE Select); coding-DNA position 1282, G replaced by A.
Protein change: p.Asp428Asn; replaces aspartic acid 428 with asparagine.
Molecular consequence: missense variant.
Genome position (GRCh38, 1-based): chr17:82,028,657, G>A. VCF-style: chr17-82028657-G-A. GRCh37 (hg19) VCF-style: chr17-79986533-G-A.
Other names: c.1282G>A (NM_144999.3); short protein forms D428N.
Identifiers: ClinVar variation 3120727 (VCV003120727.2), dbSNP rs769938256, ClinGen allele CA8848006.

ClinVar aggregate classification (germline): Uncertain significance. Review status: criteria provided, multiple submitters, no conflicts (2 of 4 stars). 2 submissions from 2 submitters: Uncertain significance (2). Last evaluated 2026-03-23.

Conditions:
LRRC45-related disorder. Also called: LRRC45-related condition.

Allele frequency attached by ClinVar (database versions not stated): gnomAD exomes 0.00001; TOPMed 0.00003; ExAC 0.00004; gnomAD 0.00004.
gnomAD v4.1: 27 of 1,612,760 alleles (0.0017%); highest among the groups gnomAD compares: African/African-American, 0.0053%; no homozygotes.

Submissions (2):

PreventionGenetics, part of Exact Sciences
Classification: Uncertain significance for LRRC45-related condition. Last evaluated: 2026-03-23. Review status: criteria provided, single submitter. Criteria: ACMG Guidelines, 2015. Collection method: clinical testing. Allele origin: germline.
Comment: The LRRC45 c.1282G>A variant is predicted to result in the amino acid substitution p.Asp428Asn. To our knowledge, this variant has not been reported in the literature. This variant is reported in 0.012% of alleles in individuals of African descent in gnomAD. At this time, the clinical significance of this variant is uncertain due to the absence of conclusive functional and genetic evidence.

Ambry Genetics
Classification: Uncertain significance. Last evaluated: 2024-02-27. Review status: criteria provided, single submitter. Criteria: Ambry Variant Classification Scheme 2023. Collection method: clinical testing. Allele origin: germline.